The following is an entry in ClinVar:

NM_000744.7(CHRNA4):c.946T>G (p.Phe316Val)

Gene: CHRNA4 (cholinergic receptor nicotinic alpha 4 subunit; minus strand). Cytogenetic location: 20q13.33.
Variant type: single nucleotide variant.
Coding change: c.946T>G on transcript NM_000744.7 (MANE Select); coding-DNA position 946, T replaced by G.
Protein change: p.Phe316Val; replaces phenylalanine 316 with valine.
Molecular consequence: missense variant. On other transcripts: non-coding transcript variant (1).
Genome position (GRCh38, 1-based): chr20:63,350,465, A>C on the plus strand (T>G on the coding strand, the complement: CHRNA4 is on the minus strand). VCF-style: chr20-63350465-A-C. GRCh37 (hg19) VCF-style: chr20-61981817-A-C.
Other names: c.418T>G, p.Phe140Val (NM_001256573.2); short protein forms F316V, F140V.
Identifiers: ClinVar variation 2058442 (VCV002058442.4), dbSNP rs2516541146, ClinGen allele CA409636012.

ClinVar aggregate classification (germline): Uncertain significance (1 of 4 stars; one submission).

Conditions:
Familial sleep-related hypermotor epilepsy. Also called: Autosomal Dominant Sleep-Related Hypermotor (Hyperkinetic) Epilepsy. Identifiers: Orphanet 98784, MedGen C3696898, MONDO:0000030.

Submission:

Labcorp Genetics (formerly Invitae), Labcorp
Classification: Uncertain significance. Last evaluated: 2023-03-15. Review status: criteria provided, single submitter. Criteria: Invitae Variant Classification Sherloc (09022015). Collection method: clinical testing. Allele origin: germline.
Comment: In summary, the available evidence is currently insufficient to determine the role of this variant in disease. Therefore, it has been classified as a Variant of Uncertain Significance. Advanced modeling of protein sequence and biophysical properties (such as structural, functional, and spatial information, amino acid conservation, physicochemical variation, residue mobility, and thermodynamic stability) has been performed at Invitae for this missense variant, however the output from this modeling did not meet the statistical confidence thresholds required to predict the impact of this variant on CHRNA4 protein function. ClinVar contains an entry for this variant (Variation ID: 2058442). This variant has not been reported in the literature in individuals affected with CHRNA4-related conditions. This variant is not present in population databases (gnomAD no frequency). This sequence change replaces phenylalanine, which is neutral and non-polar, with valine, which is neutral and non-polar, at codon 316 of the CHRNA4 protein (p.Phe316Val).